The following is an entry in ClinVar:

ClinVar aggregate classification (germline): Uncertain significance. Review status: criteria provided, multiple submitters, no conflicts (2 of 4 stars). 2 submissions from 2 submitters: Uncertain significance (2). Last evaluated 2022-05-18.

Conditions:
Inborn genetic diseases. Identifiers: MedGen C0950123, MeSH D030342.

Allele frequency attached by ClinVar (database versions not stated): gnomAD 0.00002; TOPMed 0.00002; ExAC 0.00003; ESP Exome Variant Server 0.00008.
gnomAD v4.1: 22 of 1,605,562 alleles (0.0014%); highest among the groups gnomAD compares: South Asian, 0.0055%; no homozygotes.

Submissions (2):

Ambry Genetics
Classification: Uncertain significance for Inborn genetic diseases. Last evaluated: 2022-05-18. Review status: criteria provided, single submitter. Criteria: Ambry Variant Classification Scheme 2023. Collection method: clinical testing. Allele origin: germline.

Labcorp Genetics (formerly Invitae), Labcorp
Classification: Uncertain significance. Last evaluated: 2022-04-13. Review status: criteria provided, single submitter. Criteria: Invitae Variant Classification Sherloc (09022015). Collection method: clinical testing. Allele origin: germline.
Comment: This variant is present in population databases (rs200080131, gnomAD 0.01%). This sequence change replaces arginine, which is basic and polar, with tryptophan, which is neutral and slightly polar, at codon 1746 of the SPTB protein (p.Arg1746Trp). This variant has not been reported in the literature in individuals affected with SPTB-related conditions. In summary, the available evidence is currently insufficient to determine the role of this variant in disease. Therefore, it has been classified as a Variant of Uncertain Significance. Algorithms developed to predict the effect of missense changes on protein structure and function (SIFT, PolyPhen-2, Align-GVGD) all suggest that this variant is likely to be disruptive.

NM_001355436.2(SPTB):c.5236C>T (p.Arg1746Trp)

Gene: SPTB (spectrin beta, erythrocytic; minus strand). Cytogenetic location: 14q23.3.
Variant type: single nucleotide variant.
Coding change: c.5236C>T on transcript NM_001355436.2 (MANE Select); coding-DNA position 5236, C replaced by T.
Protein change: p.Arg1746Trp; replaces arginine 1746 with tryptophan.
Molecular consequence: missense variant.
Genome position (GRCh38, 1-based): chr14:64,772,897, G>A on the plus strand (C>T on the coding strand, the complement: SPTB is on the minus strand). VCF-style: chr14-64772897-G-A. GRCh37 (hg19) VCF-style: chr14-65239615-G-A.
Other names: NM_000347.5:c.5236C>T; c.5236C>T, p.Arg1746Trp (NM_001024858.4, NM_001355437.2); short protein forms R1746W.
Identifiers: ClinVar variation 1909639 (VCV001909639.6), dbSNP rs200080131, ClinGen allele CA7230020.